The following is an entry in ClinVar:

NM_001267550.2(TTN):c.3051T>C (p.Ala1017=)

Gene: TTN (titin; minus strand). Cytogenetic location: 2q31.2.
Variant type: single nucleotide variant.
Coding change: c.3051T>C on transcript NM_001267550.2 (MANE Select); coding-DNA position 3051, T replaced by C.
Protein change: p.Ala1017=; no amino-acid change (alanine 1017 retained).
Molecular consequence: synonymous variant.
Genome position (GRCh38, 1-based): chr2:178,782,855, A>G on the plus strand (T>C on the coding strand, the complement: TTN is on the minus strand). VCF-style: chr2-178782855-A-G. GRCh37 (hg19) VCF-style: chr2-179647582-A-G.
Other names: c.2913T>C, p.Ala971= (NM_003319.4, NM_133432.3, NM_133437.4); c.3051T>C, p.Ala1017= (NM_133378.4, NM_133379.5, NM_001256850.1).
Identifiers: ClinVar variation 513440 (VCV000513440.11), dbSNP rs1185928356, ClinGen allele CA430282699.

ClinVar aggregate classification (germline): Likely benign. Review status: criteria provided, multiple submitters, no conflicts (2 of 4 stars). 3 submissions from 3 submitters: Likely benign (3). Last evaluated 2025-03-16.

Conditions:
Cardiovascular phenotype. Identifiers: MedGen CN230736.
Autosomal recessive limb-girdle muscular dystrophy type 2J (LGMDR10). Also called: MUSCULAR DYSTROPHY, LIMB-GIRDLE, AUTOSOMAL RECESSIVE 10; Limb-girdle muscular dystrophy, type 2J. Identifiers: Orphanet 140922, MedGen C1837342, MONDO:0012127, OMIM 608807.
Dilated cardiomyopathy 1G (CMD1G). Identifiers: Orphanet 154, MedGen C1858763, MONDO:0011400, OMIM 604145.

Allele frequency attached by ClinVar (database versions not stated): gnomAD 0.00001; TOPMed 0.00001.
gnomAD v4.1: 7 of 1,613,808 alleles (0.00043%); highest among the groups gnomAD compares: Non-Finnish European, 0.00059%; no homozygotes.

Submissions (3):

Labcorp Genetics (formerly Invitae), Labcorp
Classification: Likely benign for Dilated cardiomyopathy 1G; Autosomal recessive limb-girdle muscular dystrophy type 2J. Last evaluated: 2025-03-16. Review status: criteria provided, single submitter. Criteria: Invitae Variant Classification Sherloc (09022015). Collection method: clinical testing. Allele origin: germline.

Ambry Genetics
Classification: Likely benign for Cardiovascular phenotype. Last evaluated: 2024-11-23. Review status: criteria provided, single submitter. Criteria: Ambry Variant Classification Scheme 2023. Collection method: clinical testing. Allele origin: germline.

GeneDx
Classification: Likely benign. Last evaluated: 2017-11-15. Review status: criteria provided, single submitter. Criteria: GeneDx Variant Classification (06012015). Collection method: clinical testing. Allele origin: germline. Affected: yes.
Comment: This variant is considered likely benign or benign based on one or more of the following criteria: it is a conservative change, it occurs at a poorly conserved position in the protein, it is predicted to be benign by multiple in silico algorithms, and/or has population frequency not consistent with disease.